The following is an entry in ClinVar:

NM_153704.6(TMEM67):c.1860+14G>T

Gene: TMEM67 (transmembrane protein 67; plus strand). Cytogenetic location: 8q22.1.
Variant type: single nucleotide variant.
Coding change: c.1860+14G>T on transcript NM_153704.6 (MANE Select); 14 bases into the intron after coding-DNA position 1860, G replaced by T.
Molecular consequence: intron variant.
Genome position (GRCh38, 1-based): chr8:93,796,001, G>T. VCF-style: chr8-93796001-G-T. GRCh37 (hg19) VCF-style: chr8-94808229-G-T.
Other names: c.1617+14G>T (NM_001142301.1).
Identifiers: ClinVar variation 682508 (VCV000682508.7), dbSNP rs369727716, ClinGen allele CA4808125.

ClinVar aggregate classification (germline): Likely benign. Review status: criteria provided, multiple submitters, no conflicts (2 of 4 stars). 3 submissions from 3 submitters: Likely benign (3). Last evaluated 2025-08-29.

Conditions:
Joubert syndrome. Also called: Familial aplasia of the vermis; JOUBERT-BOLTSHAUSER SYNDROME. Identifiers: Orphanet 475, MedGen C5979921, MONDO:0018772.
Meckel-Gruber syndrome. Also called: DYSENCEPHALIA SPLANCHNOCYSTICA; GRUBER SYNDROME; Dysencephalia splachnocystica. Identifiers: Orphanet 564, MedGen C0265215, MONDO:0018921.

Allele frequency attached by ClinVar (database versions not stated): gnomAD exomes below 0.00001 and 0.00002; ExAC 0.00002; gnomAD 0.00004 and 0.00005; TOPMed 0.00006; ESP Exome Variant Server 0.00008.
gnomAD v4.1: 8 of 1,579,122 alleles (0.00051%); highest among the groups gnomAD compares: African/African-American, 0.011%; no homozygotes.

Submissions (3):

Labcorp Genetics (formerly Invitae), Labcorp
Classification: Likely benign for Joubert syndrome; Meckel-Gruber syndrome. Last evaluated: 2025-08-29. Review status: criteria provided, single submitter. Criteria: Invitae Variant Classification Sherloc (09022015). Collection method: clinical testing. Allele origin: germline.

Blueprint Genetics
Classification: Likely benign. Last evaluated: 2019-11-25. Review status: criteria provided, single submitter. Criteria: ACMG Guidelines, 2015. Collection method: clinical testing. Allele origin: germline.

GeneDx
Classification: Likely benign. Last evaluated: 2018-04-30. Review status: criteria provided, single submitter. Criteria: GeneDx Variant Classification (06012015). Collection method: clinical testing. Allele origin: germline. Affected: yes.
Comment: This variant is considered likely benign or benign based on one or more of the following criteria: it is a conservative change, it occurs at a poorly conserved position in the protein, it is predicted to be benign by multiple in silico algorithms, and/or has population frequency not consistent with disease.